The following is an entry in ClinVar:

NM_005026.5(PIK3CD):c.714C>G (p.Asp238Glu)

Gene: PIK3CD (phosphatidylinositol-4,5-bisphosphate 3-kinase catalytic subunit delta; plus strand). Cytogenetic location: 1p36.22.
Variant type: single nucleotide variant.
Coding change: c.714C>G on transcript NM_005026.5 (MANE Select); coding-DNA position 714, C replaced by G.
Protein change: p.Asp238Glu; replaces aspartic acid 238 with glutamic acid.
Molecular consequence: missense variant.
Genome position (GRCh38, 1-based): chr1:9,716,553, C>G. VCF-style: chr1-9716553-C-G. GRCh37 (hg19) VCF-style: chr1-9776611-C-G.
Other names: c.714C>G, p.Asp238Glu (NM_001350234.2, NM_001350235.1); short protein forms D238E.
Identifiers: ClinVar variation 3667233 (VCV003667233.2).

ClinVar aggregate classification (germline): Uncertain significance (1 of 4 stars; one submission).

Conditions:
Immunodeficiency 14 (IMD14A). Also called: IMMUNODEFICIENCY 14A WITH LYMPHOPROLIFERATION, AUTOSOMAL DOMINANT; p110-DELTA-ACTIVATING MUTATION CAUSING SENESCENT T CELLS, LYMPHADENOPATHY, AND IMMUNODEFICIENCY; ACTIVATED PI3K-DELTA SYNDROME 1; Activated PI3K Delta Syndrome Type 1 (APDS1). Identifiers: Orphanet 397596, Orphanet 693661, MedGen C5907821, MONDO:0014222, OMIM 615513.

Submission:

Labcorp Genetics (formerly Invitae), Labcorp
Classification: Uncertain significance for Activated PI3K-delta syndrome. Last evaluated: 2024-12-04. Review status: criteria provided, single submitter. Criteria: Invitae Variant Classification Sherloc (09022015). Collection method: clinical testing. Allele origin: germline.
Comment: This sequence change replaces aspartic acid, which is acidic and polar, with glutamic acid, which is acidic and polar, at codon 238 of the PIK3CD protein (p.Asp238Glu). This variant is not present in population databases (gnomAD no frequency). This variant has not been reported in the literature in individuals affected with PIK3CD-related conditions. Invitae Evidence Modeling of protein sequence and biophysical properties (such as structural, functional, and spatial information, amino acid conservation, physicochemical variation, residue mobility, and thermodynamic stability) indicates that this missense variant is not expected to disrupt PIK3CD protein function with a negative predictive value of 80%. In summary, the available evidence is currently insufficient to determine the role of this variant in disease. Therefore, it has been classified as a Variant of Uncertain Significance.